The following is an entry in ClinVar:

ClinVar aggregate classification (germline): Pathogenic (1 of 4 stars; one submission).

Conditions:
Distal myopathy with anterior tibial onset. Identifiers: Orphanet 178400, MedGen C1847532, MONDO:0011721, OMIM 606768.
Miyoshi muscular dystrophy 1 (MMD1). Identifiers: Orphanet 45448, MedGen C4551973, MONDO:0024545, OMIM 254130.
Autosomal recessive limb-girdle muscular dystrophy type 2B (LGMDR2). Also called: Limb-girdle muscular dystrophy, type 2B; MUSCULAR DYSTROPHY, LIMB-GIRDLE, TYPE 3; MUSCULAR DYSTROPHY, LIMB-GIRDLE, AUTOSOMAL RECESSIVE 2; Limb-Girdle Muscular Dystrophy Type 2B (LGMD2B). Identifiers: Orphanet 268, MedGen C1850889, MONDO:0009676, OMIM 253601.

Submission:

Juno Genomics, Hangzhou Juno Genomics, Inc
Classification: Pathogenic for Miyoshi muscular dystrophy 1; Autosomal recessive limb-girdle muscular dystrophy type 2B; Distal myopathy with anterior tibial onset. Review status: criteria provided, single submitter. Criteria: ACMG Guidelines, 2015. Collection method: clinical testing. Allele origin: germline. Affected: yes.
Comment: Absent from controls (or at extremely low frequency if recessive) in Genome Aggregation Database, Exome Sequencing Project, 1000 Genomes Project, or Exome Aggregation Consortium.;Null variant in a gene where loss of function (LOF) is a known mechanism of disease.;For recessive disorders, detected in trans with a pathogenic variant.

NM_001130987.2(DYSF):c.2258_2259del (p.His753fs)

Gene: DYSF (dysferlin; plus strand). Cytogenetic location: 2p13.2.
Variant type: Deletion.
Coding change: c.2258_2259del on transcript NM_001130987.2 (MANE Select); coding-DNA positions 2258 to 2259, 2 bases deleted (AC; older notation c.2258_2259delAC).
Protein change: p.His753fs; shifts the reading frame from histidine 753.
Molecular consequence: frameshift variant.
Genome position (GRCh38, 1-based): chr2:71,561,793-71,561,794, AC deleted; deleting any 2 consecutive bases within chr2:71,561,792-71,561,794 gives the same sequence; the c. name uses the placement nearest the transcript's 3' end. VCF-style (leftmost placement, unchanged base first): chr2-71561791-CCA-C. GRCh37 (hg19) VCF-style: chr2-71788921-CCA-C.
Other names: c.2207_2208del, p.His736fs (NM_001130455.2, NM_001130983.2); c.2162_2163del, p.His721fs (NM_001130976.2, NM_001130977.2); c.2204_2205del, p.His735fs (NM_001130978.2, NM_003494.4); c.2297_2298del, p.His766fs (NM_001130979.2); c.2255_2256del, p.His752fs (NM_001130980.2, NM_001130981.2); c.2300_2301del, p.His767fs (NM_001130982.2); c.2165_2166del, p.His722fs (NM_001130984.2, NM_001130986.2); c.2258_2259del, p.His753fs (NM_001130985.2); short protein forms H721fs, H722fs, H735fs, H736fs, H752fs, H753fs, H766fs, H767fs.
Identifiers: ClinVar variation 3383068 (VCV003383068.2).